The following is an entry in ClinVar:

NM_033305.3(VPS13A):c.1528dup (p.Leu510fs)

Gene: VPS13A (vacuolar protein sorting 13 homolog A; plus strand). Cytogenetic location: 9q21.2.
Variant type: Duplication.
Coding change: c.1528dup on transcript NM_033305.3 (MANE Select); coding-DNA position 1528, one base duplicated (C; older notation c.1528dupC).
Protein change: p.Leu510fs; shifts the reading frame from leucine 510.
Molecular consequence: frameshift variant.
Genome position (GRCh38, 1-based): chr9:77,228,197, C duplicated. VCF-style (leftmost placement, unchanged base first): chr9-77228196-G-GC. GRCh37 (hg19) VCF-style: chr9-79843112-G-GC.
Other names: c.1528dup, p.Leu510fs (NM_001018037.2, NM_001018038.3, NM_015186.4); short protein forms L510fs.
Identifiers: ClinVar variation 2752357 (VCV002752357.3), dbSNP rs2537629962, ClinGen allele CA2690368360.

ClinVar aggregate classification (germline): Pathogenic (1 of 4 stars; one submission).

Allele frequency attached by ClinVar (database versions not stated): gnomAD exomes below 0.00001.

Submission:

Labcorp Genetics (formerly Invitae), Labcorp
Classification: Pathogenic. Last evaluated: 2023-09-27. Review status: criteria provided, single submitter. Criteria: Invitae Variant Classification Sherloc (09022015). Collection method: clinical testing. Allele origin: germline.
Comment: This sequence change creates a premature translational stop signal (p.Leu510Profs*10) in the VPS13A gene. It is expected to result in an absent or disrupted protein product. Loss-of-function variants in VPS13A are known to be pathogenic (PMID: 12404112, 21598378). This variant is not present in population databases (gnomAD no frequency). This variant has not been reported in the literature in individuals affected with VPS13A-related conditions. For these reasons, this variant has been classified as Pathogenic.

Literature cited by the submitters: PubMed 12404112; PubMed 21598378.